The following is an entry in ClinVar:

NM_006009.4(TUBA1A):c.382C>G (p.Gln128Glu)

Gene: TUBA1A (tubulin alpha 1a; minus strand). Cytogenetic location: 12q13.12.
Variant type: single nucleotide variant.
Coding change: c.382C>G on transcript NM_006009.4 (MANE Select); coding-DNA position 382, C replaced by G.
Protein change: p.Gln128Glu; replaces glutamine 128 with glutamic acid.
Molecular consequence: missense variant.
Genome position (GRCh38, 1-based): chr12:49,185,984, G>C on the plus strand (C>G on the coding strand, the complement: TUBA1A is on the minus strand). VCF-style: chr12-49185984-G-C. GRCh37 (hg19) VCF-style: chr12-49579767-G-C.
Other names: c.382C>G, p.Gln128Glu (NM_001270399.2); c.277C>G, p.Gln93Glu (NM_001270400.2); short protein forms Q128E, Q93E.
Identifiers: ClinVar variation 2838932 (VCV002838932.3), dbSNP rs1555162420, ClinGen allele CA384642885.

ClinVar aggregate classification (germline): Uncertain significance (1 of 4 stars; one submission).

Submission:

Labcorp Genetics (formerly Invitae), Labcorp
Classification: Uncertain significance. Last evaluated: 2023-04-06. Review status: criteria provided, single submitter. Criteria: Invitae Variant Classification Sherloc (09022015). Collection method: clinical testing. Allele origin: germline.
Comment: This sequence change replaces glutamine, which is neutral and polar, with glutamic acid, which is acidic and polar, at codon 128 of the TUBA1A protein (p.Gln128Glu). This variant is not present in population databases (gnomAD no frequency). This variant has not been reported in the literature in individuals affected with TUBA1A-related conditions. Advanced modeling of protein sequence and biophysical properties (such as structural, functional, and spatial information, amino acid conservation, physicochemical variation, residue mobility, and thermodynamic stability) performed at Invitae indicates that this missense variant is not expected to disrupt TUBA1A protein function. In summary, the available evidence is currently insufficient to determine the role of this variant in disease. Therefore, it has been classified as a Variant of Uncertain Significance.